The following is an entry in ClinVar:

NM_000142.5(FGFR3):c.748_749delinsAA (p.Pro250Lys)

Gene: FGFR3 (fibroblast growth factor receptor 3; plus strand). Cytogenetic location: 4p16.3.
Variant type: Indel.
Coding change: c.748_749delinsAA on transcript NM_000142.5 (MANE Select); coding-DNA positions 748 to 749, CC replaced by AA.
Protein change: p.Pro250Lys; replaces proline 250 with lysine.
Molecular consequence: missense variant. On other transcripts: non-coding transcript variant (1).
Genome position (GRCh38, 1-based): chr4:1,801,843-1,801,844, CC replaced by AA. VCF-style: chr4-1801843-CC-AA. GRCh37 (hg19) VCF-style: chr4-1803570-CC-AA.
Other names: c.748_749delinsAA, p.Pro250Lys (NM_001163213.2, NM_001354809.2, NM_001354810.2 and 1 more transcripts); short protein forms P250K.
Identifiers: ClinVar variation 2035465 (VCV002035465.4), dbSNP rs2546806548, ClinGen allele CA2580070715.

ClinVar aggregate classification (germline): Uncertain significance (1 of 4 stars; one submission).

Submission:

Labcorp Genetics (formerly Invitae), Labcorp
Classification: Uncertain significance. Last evaluated: 2022-10-13. Review status: criteria provided, single submitter. Criteria: Invitae Variant Classification Sherloc (09022015). Collection method: clinical testing. Allele origin: germline.
Comment: In summary, the available evidence is currently insufficient to determine the role of this variant in disease. Therefore, it has been classified as a Variant of Uncertain Significance. This sequence change replaces proline, which is neutral and non-polar, with lysine, which is basic and polar, at codon 250 of the FGFR3 protein (p.Pro250Lys). Information on the frequency of this variant in the gnomAD database is not available, as this variant may be reported differently in the database. This variant has not been reported in the literature in individuals affected with FGFR3-related conditions. Algorithms developed to predict the effect of missense changes on protein structure and function are either unavailable or do not agree on the potential impact of this missense change (SIFT: "Not Available"; PolyPhen-2: "Possibly Damaging"; Align-GVGD: "Not Available"). This variant disrupts the p.Pro250 amino acid residue in FGFR3. Other variant(s) that disrupt this residue have been determined to be pathogenic (PMID: 9042914, 10094188, 10861678, 14613973, 15915095, 26740388). This suggests that this residue is clinically significant, and that variants that disrupt this residue are likely to be disease-causing.

Literature cited by the submitters: PubMed 9042914; PubMed 10094188; PubMed 10861678; PubMed 14613973; PubMed 15915095; PubMed 26740388.